The following is an entry in ClinVar:

ClinVar aggregate classification (germline): Benign/Likely benign. Review status: criteria provided, multiple submitters, no conflicts (2 of 4 stars). 3 submissions from 3 submitters: Benign (1); Likely benign (2). Last evaluated 2025-08-24.

Conditions:
Renal cell carcinoma. Identifiers: Orphanet 217071, MedGen C0007134, MeSH D002292, MONDO:0005086, HP:0005584.
Hereditary cancer-predisposing syndrome. Also called: Hereditary Cancer Syndrome; Hereditary neoplastic syndrome; Neoplastic Syndromes, Hereditary; Tumor predisposition. Identifiers: Orphanet 140162, MedGen C0027672, MeSH D009386, MONDO:0015356.
Papillary renal cell carcinoma type 1 (RCCP1). Also called: Renal adenocarcinoma; Renal cell carcinoma 1; Renal cell carcinoma, somatic; RENAL CELL CARCINOMA, PAPILLARY, 1, SOMATIC. Identifiers: Orphanet 47044, MedGen C1336839, OMIM 605074, HP:0011797.

Allele frequency attached by ClinVar (database versions not stated): gnomAD exomes below 0.00001; TOPMed below 0.00001; gnomAD 0.00001.
gnomAD v4.1: 2 of 1,614,054 alleles (0.00012%); highest among the groups gnomAD compares: Non-Finnish European, 0.00017%; no homozygotes.

Submissions (3):

Labcorp Genetics (formerly Invitae), Labcorp
Classification: Likely benign for Renal cell carcinoma. Last evaluated: 2025-08-24. Review status: criteria provided, single submitter. Criteria: Invitae Variant Classification Sherloc (09022015). Collection method: clinical testing. Allele origin: germline.

Myriad Genetics, Inc.
Classification: Benign for Papillary renal cell carcinoma type 1. Last evaluated: 2024-11-14. Review status: criteria provided, single submitter. Criteria: Myriad Autosomal Dominant, Autosomal Recessive and X-Linked Classification Criteria (2023). Collection method: clinical testing. Allele origin: unknown.
Comment: This variant is considered benign. This variant is a silent/synonymous amino acid change and it is not expected to impact splicing.

Ambry Genetics
Classification: Likely benign for Hereditary cancer-predisposing syndrome. Last evaluated: 2020-12-14. Review status: criteria provided, single submitter. Criteria: Ambry Variant Classification Scheme 2023. Collection method: clinical testing. Allele origin: germline.

NM_000245.4(MET):c.3870T>C (p.Phe1290=)

Gene: MET (MET proto-oncogene, receptor tyrosine kinase; plus strand). Cytogenetic location: 7q31.2.
Variant type: single nucleotide variant.
Coding change: c.3870T>C on transcript NM_000245.4 (MANE Select); coding-DNA position 3870, T replaced by C.
Protein change: p.Phe1290=; no amino-acid change (phenylalanine 1290 retained).
Molecular consequence: synonymous variant.
Genome position (GRCh38, 1-based): chr7:116,795,726, T>C. VCF-style: chr7-116795726-T-C. GRCh37 (hg19) VCF-style: chr7-116435780-T-C.
Other names: c.3924T>C (LRG_662t1); c.3924T>C, p.Phe1308= (NM_001127500.3); c.2580T>C, p.Phe860= (NM_001324402.2).
Identifiers: ClinVar variation 454247 (VCV000454247.13), dbSNP rs926365001, ClinGen allele CA165451047.